The following is an entry in ClinVar:

ClinVar aggregate classification (germline): Likely pathogenic (1 of 4 stars; one submission).

Conditions:
Intellectual disability, autosomal dominant 34 (NEDHSF). Also called: Ceramide Transporter Syndrome; INTELLECTUAL DEVELOPMENTAL DISORDER, AUTOSOMAL DOMINANT 34; NEURODEVELOPMENTAL DISORDER WITH HYPOTONIA, SPEECH DELAY, AND DYSMORPHIC FACIES; CERTRA SYNDROME. Identifiers: MedGen C4225156, MONDO:0014599, OMIM 616351.

gnomAD v4.1: 1 of 1,595,364 alleles (0.000063%); highest among the groups gnomAD compares: African/African-American, 0.0013%; no homozygotes.

Submission:

3billion
Classification: Likely pathogenic for Intellectual disability, autosomal dominant 34. Last evaluated: 2024-01-08. Review status: criteria provided, single submitter. Criteria: ACMG Guidelines, 2015. Collection method: clinical testing. Allele origin: germline. Affected: yes.
Comment: The variant is not observed in the gnomAD v2.1.1 dataset. Predicted Consequence/Location: Missense changes are a common disease-causing mechanism. In silico tool predictions suggest no damaging effect of the variant on gene or gene product [REVEL: 0.05 (<0.4); 3Cnet: 0.07 (<0.15, specificity 0.78 and negative predicitive value 0.92)]. Same nucleotide change resulting in same amino acid change has been previously reported to be associated with CERT1 related disorder (PMID: 36976648). However, the evidence of pathogenicity is insufficient at this time Therefore, this variant is classified as VUS according to the recommendation of ACMG/AMP guideline.

Literature cited by the submitters: PubMed 36976648.

NM_001379029.1(CERT1):c.887C>G (p.Thr296Arg)

Gene: CERT1 (ceramide transporter 1; minus strand). Cytogenetic location: 5q13.3.
Variant type: single nucleotide variant.
Coding change: c.887C>G on transcript NM_001379029.1 (MANE Select); coding-DNA position 887, C replaced by G.
Protein change: p.Thr296Arg; replaces threonine 296 with arginine.
Molecular consequence: missense variant.
Genome position (GRCh38, 1-based): chr5:75,411,054, G>C on the plus strand (C>G on the coding strand, the complement: CERT1 is on the minus strand). VCF-style: chr5-75411054-G-C. GRCh37 (hg19) VCF-style: chr5-74706879-G-C.
Other names: c.1271C>G, p.Thr424Arg (NM_001130105.1); c.887C>G, p.Thr296Arg (NM_001379002.1, NM_001379003.1, NM_001379004.1 and 2 more transcripts); short protein forms T296R, T424R.
Identifiers: ClinVar variation 3775396 (VCV003775396.1).